The following is an entry in ClinVar:

NM_000553.6(WRN):c.2515T>G (p.Tyr839Asp)

Gene: WRN (WRN RecQ like helicase; plus strand). Cytogenetic location: 8p12.
Variant type: single nucleotide variant.
Coding change: c.2515T>G on transcript NM_000553.6 (MANE Select); coding-DNA position 2515, T replaced by G.
Protein change: p.Tyr839Asp; replaces tyrosine 839 with aspartic acid.
Molecular consequence: missense variant.
Genome position (GRCh38, 1-based): chr8:31,120,309, T>G. VCF-style: chr8-31120309-T-G. GRCh37 (hg19) VCF-style: chr8-30977825-T-G.
Other names: short protein forms Y839D.
Identifiers: ClinVar variation 571793 (VCV000571793.5), dbSNP rs765666269, ClinGen allele CA4704769.

ClinVar aggregate classification (germline): Uncertain significance (1 of 4 stars; one submission).

Conditions:
Werner syndrome (WRN). Identifiers: Orphanet 902, MedGen C0043119, MONDO:0010196, OMIM 277700.

Allele frequency attached by ClinVar (database versions not stated): gnomAD exomes below 0.00001; ExAC 0.00001; gnomAD 0.00001; TOPMed 0.00001.
gnomAD v4.1: 2 of 1,612,990 alleles (0.00012%); highest among the groups gnomAD compares: Middle Eastern, 0.016%; no homozygotes.

Submission:

Labcorp Genetics (formerly Invitae), Labcorp
Classification: Uncertain significance for Werner syndrome. Last evaluated: 2024-04-22. Review status: criteria provided, single submitter. Criteria: Invitae Variant Classification Sherloc (09022015). Collection method: clinical testing. Allele origin: germline.
Comment: This sequence change replaces tyrosine, which is neutral and polar, with aspartic acid, which is acidic and polar, at codon 839 of the WRN protein (p.Tyr839Asp). This variant is present in population databases (rs765666269, gnomAD 0.0009%). This variant has not been reported in the literature in individuals affected with WRN-related conditions. ClinVar contains an entry for this variant (Variation ID: 571793). An algorithm developed to predict the effect of missense changes on protein structure and function (PolyPhen-2) suggests that this variant is likely to be disruptive. In summary, the available evidence is currently insufficient to determine the role of this variant in disease. Therefore, it has been classified as a Variant of Uncertain Significance.